The following is an entry in ClinVar:

ClinVar aggregate classification (germline): Uncertain significance. Review status: criteria provided, multiple submitters, no conflicts (2 of 4 stars). 2 submissions from 2 submitters: Uncertain significance (2). Last evaluated 2025-08-11.

Conditions:
Idiopathic generalized epilepsy. Also called: EIG; Generalised epilepsy. Identifiers: MedGen C0270850, MONDO:0005579, OMIM 600669.
Hyperaldosteronism, familial, type IV (HALD4). Also called: FH IV; ALDOSTERONISM, PRIMARY, AND HYPERTENSION. Identifiers: Orphanet 642671, MedGen C4310756, MONDO:0014875, OMIM 617027.

Allele frequency attached by ClinVar (database versions not stated): gnomAD exomes below 0.00001; gnomAD 0.00001.
gnomAD v4.1: 4 of 1,596,716 alleles (0.00025%); highest among the groups gnomAD compares: East Asian, 0.0023%; no homozygotes.

Submissions (2):

Labcorp Genetics (formerly Invitae), Labcorp
Classification: Uncertain significance for Idiopathic generalized epilepsy; Hyperaldosteronism, familial, type IV. Last evaluated: 2025-08-11. Review status: criteria provided, single submitter. Criteria: Invitae Variant Classification Sherloc (09022015). Collection method: clinical testing. Allele origin: germline.
Comment: This sequence change replaces leucine, which is neutral and non-polar, with phenylalanine, which is neutral and non-polar, at codon 1301 of the CACNA1H protein (p.Leu1301Phe). This variant is not present in population databases (gnomAD no frequency). This variant has not been reported in the literature in individuals affected with CACNA1H-related conditions. ClinVar contains an entry for this variant (Variation ID: 1315845). Invitae Evidence Modeling of protein sequence and biophysical properties (such as structural, functional, and spatial information, amino acid conservation, physicochemical variation, residue mobility, and thermodynamic stability) indicates that this missense variant is expected to disrupt CACNA1H protein function with a positive predictive value of 80%. In summary, the available evidence is currently insufficient to determine the role of this variant in disease. Therefore, it has been classified as a Variant of Uncertain Significance.

GeneDx
Classification: Uncertain significance. Last evaluated: 2021-03-23. Review status: criteria provided, single submitter. Criteria: GeneDx Variant Classification Process June 2021. Collection method: clinical testing. Allele origin: germline. Affected: yes.
Comment: Not observed in large population cohorts (Lek et al., 2016); In silico analysis supports that this missense variant has a deleterious effect on protein structure/function; Has not been previously published as pathogenic or benign to our knowledge

NM_021098.3(CACNA1H):c.3901C>T (p.Leu1301Phe)

Gene: CACNA1H (calcium voltage-gated channel subunit alpha1 H; plus strand). Cytogenetic location: 16p13.3.
Variant type: single nucleotide variant.
Coding change: c.3901C>T on transcript NM_021098.3 (MANE Select); coding-DNA position 3901, C replaced by T.
Protein change: p.Leu1301Phe; replaces leucine 1301 with phenylalanine.
Molecular consequence: missense variant.
Genome position (GRCh38, 1-based): chr16:1,210,425, C>T. VCF-style: chr16-1210425-C-T. GRCh37 (hg19) VCF-style: chr16-1260425-C-T.
Other names: c.3901C>T, p.Leu1301Phe (NM_001005407.2); short protein forms L1301F.
Identifiers: ClinVar variation 1315845 (VCV001315845.9), dbSNP rs1969297546, ClinGen allele CA394176536.